The following is an entry in ClinVar:

GRCh37/hg19 2p14-13.3(chr2:68475209-68676657)x3

Genes: CNRIP1 (cannabinoid receptor interacting protein 1; minus strand), PLEK (pleckstrin; plus strand), PPP3R1 (protein phosphatase 3 regulatory subunit B, alpha; minus strand). Cytogenetic location: 2p14-13.3.
Variant type: copy number gain.
Change: copy number 3 (three copies instead of two) of chr2:68,475,209-68,676,657 (201.4 kb, GRCh37 coordinates, 1-based), cytogenetic band 2p14-13.3.
Identifiers: ClinVar variation 1184810 (VCV001184810.4).

ClinVar aggregate classification (germline): Uncertain significance (1 of 4 stars; one submission).

Conditions:
Bilateral sensorineural hearing impairment. Also called: Bilateral sensorineural hearing loss. Identifiers: MedGen C0452138, HP:0008619.

Submission:

Laboratory of Human Genetics, Institute of Biosciences - University of Sao Paulo
Classification: Uncertain significance for Bilateral sensorineural hearing impairment. Last evaluated: 2020-04-02. Review status: criteria provided, single submitter. Criteria: ACMG/ClinGen CNV Guidelines, 2019. Collection method: research. Allele origin: inherited, germline, not applicable. Inheritance: Autosomal dominant inheritance. Affected: yes. Observed: 20 variant alleles, 20 heterozygotes. Clinical features observed: Tinnitus (HP:0000360). Functional consequence: gain_of_function_variant.
Comment: A âˆ¼200 Kb genomic duplication in 2p14 (DFNA58) was found to segregate with postlingual progressive sensorineural autosomal dominant hearing loss (HL) in 20 affected individuals from the family. It includes protein-coding genes: PLEK, CNRIP1, and exon 1 of PPP3R1, four lncRNA genes and part of a novel protein-coding gene. RT-qPCR revealed selective overexpression of CNRIP1 and of two lncRNA genes (LOC107985892 and LOC102724389) in all affected duplication carriers, and RT-PCR fusion transcripts involving parts of PPP3R1, CNRIP1 and an intergenic region between PLEK and CNRIP1, in the blood of all carriers of the duplication, but were heterogeneous in nature. By in situ hybridization and immunofluorescence, we showed that Cnrip1, Plek and Ppp3r1 genes are all expressed in the adult mouse cochlea including the spiral ganglion neurons, suggesting changes in expression levels of these genes in the hearing organ could underlie the DFNA58 form of deafness.

Literature cited by the submitters: PubMed 32337552.